The following is an entry in ClinVar:

NM_001278298.2(COL6A5):c.2689C>T (p.Leu897Phe)

Gene: COL6A5 (collagen type VI alpha 5 chain; plus strand). Cytogenetic location: 3q22.1.
Variant type: single nucleotide variant.
Coding change: c.2689C>T on transcript NM_001278298.2 (MANE Select); coding-DNA position 2689, C replaced by T.
Protein change: p.Leu897Phe; replaces leucine 897 with phenylalanine.
Molecular consequence: missense variant. On other transcripts: non-coding transcript variant (1).
Genome position (GRCh38, 1-based): chr3:130,391,451, C>T. VCF-style: chr3-130391451-C-T. GRCh37 (hg19) VCF-style: chr3-130110294-C-T.
Other names: c.2689C>T, p.Leu897Phe (NM_001412157.1, NM_153264.7); short protein forms L897F.
Identifiers: ClinVar variation 3239550 (VCV003239550.19), dbSNP rs2472876252.

ClinVar aggregate classification (germline): Uncertain significance (1 of 4 stars; one submission).

Allele frequency attached by ClinVar (database versions not stated): gnomAD exomes below 0.00001.
gnomAD v4.1: 1 of 1,551,684 alleles (0.000064%); highest among the groups gnomAD compares: Non-Finnish European, 0.000087%; no homozygotes.

Submission:

CeGaT Center for Human Genetics Tuebingen
Classification: Uncertain significance. Last evaluated: 2024-06-01. Review status: criteria provided, single submitter. Criteria: CeGaT Center For Human Genetics Tuebingen Variant Classification Criteria Version 2. Collection method: clinical testing. Allele origin: germline. Affected: yes. Observed: 1 variant allele.
Comment: COL6A5: PM2